The following is an entry in ClinVar:

NM_022124.6(CDH23):c.2066C>T (p.Thr689Met)

Gene: CDH23 (cadherin related 23; plus strand). Cytogenetic location: 10q22.1.
Variant type: single nucleotide variant.
Coding change: c.2066C>T on transcript NM_022124.6 (MANE Select); coding-DNA position 2066, C replaced by T.
Protein change: p.Thr689Met; replaces threonine 689 with methionine.
Molecular consequence: missense variant.
Genome position (GRCh38, 1-based): chr10:71,690,474, C>T. VCF-style: chr10-71690474-C-T. GRCh37 (hg19) VCF-style: chr10-73450231-C-T.
Other names: c.2066C>T, p.Thr689Met (NM_001171930.2, NM_001171931.2); short protein forms T689M.
Identifiers: ClinVar variation 2629285 (VCV002629285.1), dbSNP rs368603023, ClinGen allele CA209438626.

ClinVar aggregate classification (germline): Uncertain significance (1 of 4 stars; one submission).

Conditions:
CDH23-related disorder. Also called: CDH23-related condition; CDH23-related disorders.

Allele frequency attached by ClinVar (database versions not stated): gnomAD exomes below 0.00001; TOPMed below 0.00001; gnomAD 0.00001; ESP Exome Variant Server 0.00008.
gnomAD v4.1: 4 of 1,601,506 alleles (0.00025%); highest among the groups gnomAD compares: Non-Finnish European, 0.00026%; no homozygotes.

Submission:

PreventionGenetics, part of Exact Sciences
Classification: Uncertain significance for CDH23-related condition. Last evaluated: 2022-09-13. Review status: criteria provided, single submitter. Criteria: ACMG Guidelines, 2015. Collection method: clinical testing. Allele origin: germline.
Comment: The CDH23 c.2066C>T variant is predicted to result in the amino acid substitution p.Thr689Met. To our knowledge, this variant has not been reported in the literature or in a large population database, indicating this variant is rare. At this time, the clinical significance of this variant is uncertain due to the absence of conclusive functional and genetic evidence.